The following is an entry in ClinVar:

NM_002470.4(MYH3):c.5161-20C>G

Gene: MYH3 (myosin heavy chain 3; minus strand). Cytogenetic location: 17p13.1.
Variant type: single nucleotide variant.
Coding change: c.5161-20C>G on transcript NM_002470.4 (MANE Select); 20 bases into the intron before coding-DNA position 5161, C replaced by G.
Molecular consequence: intron variant.
Genome position (GRCh38, 1-based): chr17:10,631,756, G>C on the plus strand (C>G on the coding strand, the complement: MYH3 is on the minus strand). VCF-style: chr17-10631756-G-C. GRCh37 (hg19) VCF-style: chr17-10535073-G-C.
Identifiers: ClinVar variation 3008025 (VCV003008025.3), dbSNP rs2508567796, ClinGen allele CA2740095271.

ClinVar aggregate classification (germline): Uncertain significance (1 of 4 stars; one submission).

Submission:

Labcorp Genetics (formerly Invitae), Labcorp
Classification: Uncertain significance. Last evaluated: 2022-10-27. Review status: criteria provided, single submitter. Criteria: Invitae Variant Classification Sherloc (09022015). Collection method: clinical testing. Allele origin: germline.
Comment: In summary, the available evidence is currently insufficient to determine the role of this variant in disease. Therefore, it has been classified as a Variant of Uncertain Significance. Algorithms developed to predict the effect of sequence changes on RNA splicing suggest that this variant may disrupt the consensus splice site. This sequence change falls in intron 35 of the MYH3 gene. It does not directly change the encoded amino acid sequence of the MYH3 protein. This variant is not present in population databases (gnomAD no frequency). This variant has not been reported in the literature in individuals affected with MYH3-related conditions.